The following is an entry in ClinVar:

NM_006306.4(SMC1A):c.1545+4A>C

Gene: SMC1A (structural maintenance of chromosomes 1A; minus strand). Cytogenetic location: Xp11.22.
Variant type: single nucleotide variant.
Coding change: c.1545+4A>C on transcript NM_006306.4 (MANE Select); 4 bases into the intron after coding-DNA position 1545, A replaced by C.
Molecular consequence: intron variant.
Genome position (GRCh38, 1-based): chrX:53,409,058, T>G on the plus strand (A>C on the coding strand, the complement: SMC1A is on the minus strand). VCF-style: chrX-53409058-T-G. GRCh37 (hg19) VCF-style: chrX-53435989-T-G.
Other names: p.?; c.1479+4A>C (NM_001281463.1).
Identifiers: ClinVar variation 159942 (VCV000159942.59), dbSNP rs377270943, ClinGen allele CA272520.

ClinVar aggregate classification (germline): Conflicting classifications of pathogenicity. Review status: criteria provided, conflicting classifications (1 of 4 stars). 11 submissions from 11 submitters: Uncertain significance (1); Benign (4); Likely benign (3). 3 of the submissions do not count toward it. Last evaluated 2026-01-26.

Conditions:
Inborn genetic diseases. Identifiers: MedGen C0950123, MeSH D030342.
Congenital muscular hypertrophy-cerebral syndrome (CDLS2). Also called: SMC1A-Related Cornelia de Lange Syndrome; Cornelia de Lange syndrome 2. Identifiers: Orphanet 199, MedGen C1802395, MONDO:0010370, OMIM 300590.

Allele frequency attached by ClinVar (database versions not stated): TOPMed 0.00125; gnomAD 0.00129 and 0.00119; 1000 Genomes Project 0.00132; ESP Exome Variant Server 0.00161; gnomAD exomes 0.00014 and 0.00039; ExAC 0.00059; 1000 Genomes Project 30x 0.00104.
gnomAD v4.1: 290 of 1,206,279 alleles (0.024%); highest among the groups gnomAD compares: African/African-American, 0.45%; no homozygotes.

Submissions (12):

Labcorp Genetics (formerly Invitae), Labcorp
Classification: Benign for Congenital muscular hypertrophy-cerebral syndrome. Last evaluated: 2026-01-26. Review status: criteria provided, single submitter. Criteria: Invitae Variant Classification Sherloc (09022015). Collection method: clinical testing. Allele origin: germline.

Blueprint Genetics
Classification: Likely benign. Last evaluated: 2024-11-27. Review status: criteria provided, single submitter. Criteria: ACMG Guidelines, 2015. Collection method: clinical testing. Allele origin: germline.

CeGaT Center for Human Genetics Tuebingen
Classification: Likely benign. Last evaluated: 2023-05-01. Review status: criteria provided, single submitter. Criteria: CeGaT Center For Human Genetics Tuebingen Variant Classification Criteria Version 2. Collection method: clinical testing. Allele origin: germline. Affected: yes. Observed: 1 variant allele.
Comment: SMC1A: BP4, BS2

GeneDx
Classification: Likely benign. Last evaluated: 2021-04-08. Review status: criteria provided, single submitter. Criteria: GeneDx Variant Classification Process June 2021. Collection method: clinical testing. Allele origin: germline. Affected: yes.

Mayo Clinic Laboratories, Mayo Clinic
Classification: Benign. Last evaluated: 2020-08-03. Review status: criteria provided, single submitter. Criteria: ACMG Guidelines, 2015. Collection method: clinical testing. Allele origin: germline. Observed: 2 variant alleles.

Ambry Genetics
Classification: Benign for Inborn genetic diseases. Last evaluated: 2017-06-14. Review status: criteria provided, single submitter. Criteria: Ambry Variant Classification Scheme 2023. Collection method: clinical testing. Allele origin: germline.

Eurofins Ntd Llc (ga)
Classification: Benign. Last evaluated: 2015-09-22. Review status: criteria provided, single submitter. Criteria: EGL Classification Definitions 2015. Collection method: clinical testing. Allele origin: germline. Observed: 2 variant alleles, 1 heterozygote, 1 hemizygote.

Genetic Services Laboratory, University of Chicago
Classification: Uncertain significance for Cornelia de Lange syndrome 2. Last evaluated: 2014-05-08. Review status: criteria provided, single submitter. Criteria: ACMG Guidelines, 2015. Collection method: clinical testing. Allele origin: germline. Inheritance: X-linked inheritance.

Clinical Genetics DNA and cytogenetics Diagnostics Lab, Erasmus MC, Erasmus Medical Center
Classification: Likely benign. Review status: no assertion criteria provided. Collection method: clinical testing. Allele origin: germline. Affected: yes. Study: VKGL Data-share Consensus. Not counted in ClinVar's aggregate classification.

Diagnostic Laboratory, Department of Genetics, University Medical Center Groningen
Classification: Likely benign. Review status: no assertion criteria provided. Collection method: clinical testing. Allele origin: germline. Affected: yes. Study: VKGL Data-share Consensus. Not counted in ClinVar's aggregate classification.

Dr. Peter K. Rogan Lab, Western University
No classification provided (evidence only). Condition: Uterine corpus endometrial carcinoma. Review status: no classification provided. Collection method: in vitro. Allele origin: not applicable. Functional consequence: retained intron. Not counted in ClinVar's aggregate classification.

Genome Diagnostics Laboratory, University Medical Center Utrecht
Classification: Likely benign. Review status: no assertion criteria provided. Collection method: clinical testing. Allele origin: germline. Affected: yes. Study: VKGL Data-share Consensus. Not counted in ClinVar's aggregate classification.